The following is an entry in ClinVar:

NM_024301.5(FKRP):c.976G>A (p.Ala326Thr)

Gene: FKRP (fukutin related protein; plus strand). Cytogenetic location: 19q13.32.
Variant type: single nucleotide variant.
Coding change: c.976G>A on transcript NM_024301.5 (MANE Select); coding-DNA position 976, G replaced by A.
Protein change: p.Ala326Thr; replaces alanine 326 with threonine.
Molecular consequence: missense variant.
Genome position (GRCh38, 1-based): chr19:46,756,426, G>A. VCF-style: chr19-46756426-G-A. GRCh37 (hg19) VCF-style: chr19-47259683-G-A.
Other names: c.976G>A, p.Ala326Thr (NM_001039885.3); short protein forms A326T.
Identifiers: ClinVar variation 644998 (VCV000644998.14), dbSNP rs1201873802, ClinGen allele CA406496394.

ClinVar aggregate classification (germline): Uncertain significance. Review status: criteria provided, multiple submitters, no conflicts (2 of 4 stars). 4 submissions from 4 submitters: Uncertain significance (3). 1 of the submissions does not count toward it. Last evaluated 2022-09-16.

Conditions:
Cardiovascular phenotype. Identifiers: MedGen CN230736.
Autosomal recessive limb-girdle muscular dystrophy type 2I. Also called: MUSCULAR DYSTROPHY, LIMB-GIRDLE, TYPE 2I; MUSCULAR DYSTROPHY-DYSTROGLYCANOPATHY, LIMB-GIRDLE, FRKP-RELATED; MUSCULAR DYSTROPHY-DYSTROGLYCANOPATHY (LIMB-GIRDLE), TYPE C, 5. Identifiers: Orphanet 34515, MedGen C1846672, MONDO:0011787, OMIM 607155.
Muscular dystrophy-dystroglycanopathy type B5 (MDDGB5). Also called: MUSCULAR DYSTROPHY, CONGENITAL, 1C; MUSCULAR DYSTROPHY, CONGENITAL, FKRP-RELATED; MUSCULAR DYSTROPHY-DYSTROGLYCANOPATHY (CONGENITAL WITH OR WITHOUT IMPAIRED INTELLECTUAL DEVELOPMENT), TYPE B, 5. Identifiers: MedGen C1847759, MONDO:0011688, OMIM 606612.
Muscular dystrophy-dystroglycanopathy (congenital with brain and eye anomalies), type A5. Also called: MUSCULAR DYSTROPHY-DYSTROGLYCANOPATHY (CONGENITAL WITH BRAIN AND EYE ANOMALIES), TYPE A, 5; WALKER-WARBURG SYNDROME OR MUSCLE-EYE-BRAIN DISEASE, FKRP-RELATED. Identifiers: Orphanet 588, Orphanet 899, MedGen C3150413, MONDO:0013157, OMIM 613153.
Walker-Warburg congenital muscular dystrophy. Also called: Muscular dystrophy-dystroglycanopathy, type A; Walker-Warburg syndrome. Identifiers: Orphanet 899, MedGen C0265221, MONDO:0000171.

Allele frequency attached by ClinVar (database versions not stated): TOPMed below 0.00001; gnomAD 0.00001; gnomAD exomes 0.00001.
gnomAD v4.1: 2 of 1,581,596 alleles (0.00013%); highest among the groups gnomAD compares: Non-Finnish European, 0.00017%; no homozygotes.

Submissions (4):

Ambry Genetics
Classification: Uncertain significance for Cardiovascular phenotype. Last evaluated: 2022-09-16. Review status: criteria provided, single submitter. Criteria: Ambry Variant Classification Scheme 2023. Collection method: clinical testing. Allele origin: germline.
Comment: The p.A326T variant (also known as c.976G>A), located in coding exon 1 of the FKRP gene, results from a G to A substitution at nucleotide position 976. The alanine at codon 326 is replaced by threonine, an amino acid with similar properties. This amino acid position is conserved. In addition, this alteration is predicted to be tolerated by in silico analysis. Since supporting evidence is limited at this time, the clinical significance of this alteration remains unclear.

Labcorp Genetics (formerly Invitae), Labcorp
Classification: Uncertain significance for Walker-Warburg congenital muscular dystrophy. Last evaluated: 2022-09-07. Review status: criteria provided, single submitter. Criteria: Invitae Variant Classification Sherloc (09022015). Collection method: clinical testing. Allele origin: germline.
Comment: This sequence change replaces alanine, which is neutral and non-polar, with threonine, which is neutral and polar, at codon 326 of the FKRP protein (p.Ala326Thr). The frequency data for this variant in the population databases is considered unreliable, as metrics indicate poor data quality at this position in the gnomAD database. This variant has not been reported in the literature in individuals affected with FKRP-related conditions. ClinVar contains an entry for this variant (Variation ID: 644998). Advanced modeling of protein sequence and biophysical properties (such as structural, functional, and spatial information, amino acid conservation, physicochemical variation, residue mobility, and thermodynamic stability) performed at Invitae indicates that this missense variant is expected to disrupt FKRP protein function. In summary, the available evidence is currently insufficient to determine the role of this variant in disease. Therefore, it has been classified as a Variant of Uncertain Significance.

GeneDx
Classification: Uncertain significance. Last evaluated: 2019-02-12. Review status: criteria provided, single submitter. Criteria: GeneDx Variant Classification Process June 2021. Collection method: clinical testing. Allele origin: germline. Affected: yes.
Comment: Not observed in large population cohorts (Lek et al., 2016); The majority of missense variants in this gene are considered pathogenic (Stenson et al., 2014); In silico analysis, which includes protein predictors and evolutionary conservation, supports that this variant does not alter protein structure/function; Has not been previously published as pathogenic or benign to our knowledge

Natera, Inc.
Classification: Uncertain significance for Limb-girdle muscular dystrophy type 2I. Last evaluated: 2020-09-16. Review status: no assertion criteria provided. Collection method: clinical testing. Allele origin: germline. Not counted in ClinVar's aggregate classification.